The following is an entry in ClinVar:

ClinVar aggregate classification (germline): Uncertain significance (1 of 4 stars; one submission).

Conditions:
Developmental and epileptic encephalopathy, 25 (DEE25). Also called: Developmental and epileptic encephalopathy 25, with amelogenesis imperfecta; Epileptic encephalopathy, early infantile, 25, with amelogenesis imperfecta; Epileptic encephalopathy, early infantile, 25. Identifiers: Orphanet 442835, MedGen C4014621, MONDO:0014392, OMIM 615905.

gnomAD v4.1: 4 of 1,613,956 alleles (0.00025%); highest among the groups gnomAD compares: South Asian, 0.0044%; no homozygotes.

Submission:

Labcorp Genetics (formerly Invitae), Labcorp
Classification: Uncertain significance for Developmental and epileptic encephalopathy, 25. Last evaluated: 2022-08-04. Review status: criteria provided, single submitter. Criteria: Invitae Variant Classification Sherloc (09022015). Collection method: clinical testing. Allele origin: germline.
Comment: This sequence change replaces asparagine, which is neutral and polar, with lysine, which is basic and polar, at codon 294 of the SLC13A5 protein (p.Asn294Lys). This variant is present in population databases (no rsID available, gnomAD 0.003%). This variant has not been reported in the literature in individuals affected with SLC13A5-related conditions. Algorithms developed to predict the effect of missense changes on protein structure and function output the following: SIFT: "Tolerated"; PolyPhen-2: "Benign"; Align-GVGD: "Class C0". The lysine amino acid residue is found in multiple mammalian species, which suggests that this missense change does not adversely affect protein function. In summary, the available evidence is currently insufficient to determine the role of this variant in disease. Therefore, it has been classified as a Variant of Uncertain Significance.

NM_177550.5(SLC13A5):c.882C>A (p.Asn294Lys)

Gene: SLC13A5 (solute carrier family 13 member 5; minus strand). Cytogenetic location: 17p13.1.
Variant type: single nucleotide variant.
Coding change: c.882C>A on transcript NM_177550.5 (MANE Select); coding-DNA position 882, C replaced by A.
Protein change: p.Asn294Lys; replaces asparagine 294 with lysine.
Molecular consequence: missense variant.
Genome position (GRCh38, 1-based): chr17:6,695,899, G>T on the plus strand (C>A on the coding strand, the complement: SLC13A5 is on the minus strand). VCF-style: chr17-6695899-G-T. GRCh37 (hg19) VCF-style: chr17-6599218-G-T.
Other names: c.882C>A, p.Asn294Lys (NM_001143838.3); c.831C>A, p.Asn277Lys (NM_001284509.2); c.753C>A, p.Asn251Lys (NM_001284510.2); short protein forms N251K, N277K, N294K.
Identifiers: ClinVar variation 2174005 (VCV002174005.1), dbSNP rs143504660, ClinGen allele CA397744821.